The following is an entry in ClinVar:

ClinVar aggregate classification (germline): Uncertain significance (1 of 4 stars; one submission).

Conditions:
Von Hippel-Lindau syndrome (VHLS). Also called: Von Hippel-Lindau; von Hippel–Lindau syndrome; VHL syndrome. Identifiers: Orphanet 892, MedGen C0019562, MONDO:0008667, OMIM 193300. Disease mechanism: loss of function.
Chuvash polycythemia. Also called: POLYCYTHEMIA, VHL-DEPENDENT. Identifiers: Orphanet 238557, MedGen C1837915, MONDO:0009892, OMIM 263400.

Submission:

Labcorp Genetics (formerly Invitae), Labcorp
Classification: Uncertain significance for Von Hippel-Lindau syndrome; Chuvash polycythemia. Last evaluated: 2024-02-06. Review status: criteria provided, single submitter. Criteria: Invitae Variant Classification Sherloc (09022015). Collection method: clinical testing. Allele origin: germline.
Comment: This sequence change falls in intron 1 of the VHL gene. It is not expected to change the encoded amino acid sequence of the VHL protein. However, this sequence change falls within a cryptic exon in the VHL gene, known as exon E1’, which is naturally expressed at low levels in several human tissues (PMID: 29891534). This variant is not present in population databases (gnomAD no frequency). This variant has not been reported in the literature in individuals affected with VHL-related conditions. ClinVar contains an entry for this variant (Variation ID: 1025978). Algorithms developed to predict the effect of sequence changes on RNA splicing suggest that this variant is not likely to affect RNA splicing. In summary, the available evidence is currently insufficient to determine the role of this variant in disease. Therefore, it has been classified as a Variant of Uncertain Significance.

Literature cited by the submitters: PubMed 29891534.

NM_000551.4(VHL):c.340+615C>A

Genes: VHL (von Hippel-Lindau tumor suppressor; plus strand), LOC107303340 (3p25 von Hippel-Lindau tumor suppressor, E3 ubiquitin protein ligase Alu-mediated recombination region; plus strand). Cytogenetic location: 3p25.3.
Variant type: single nucleotide variant.
Coding change: c.340+615C>A on transcript NM_000551.4 (MANE Select); 615 bases into the intron after coding-DNA position 340, C replaced by A.
Molecular consequence: intron variant. On other transcripts: missense variant (1).
Genome position (GRCh38, 1-based): chr3:10,142,802, C>A. VCF-style: chr3-10142802-C-A. GRCh37 (hg19) VCF-style: chr3-10184486-C-A.
Other names: c.380C>A, p.Ala127Asp (NM_001354723.2); c.340+615C>A (NM_198156.3); short protein forms A127D.
Identifiers: ClinVar variation 1025978 (VCV001025978.9), dbSNP rs961184868, ClinGen allele CA1345067194.